The following is an entry in ClinVar:

NM_203446.3(SYNJ1):c.1825A>C (p.Lys609Gln)

Gene: SYNJ1 (synaptojanin 1; minus strand). Cytogenetic location: 21q22.11.
Variant type: single nucleotide variant.
Coding change: c.1825A>C on transcript NM_203446.3 (MANE Select); coding-DNA position 1825, A replaced by C.
Protein change: p.Lys609Gln; replaces lysine 609 with glutamine.
Molecular consequence: missense variant.
Genome position (GRCh38, 1-based): chr21:32,666,560, T>G on the plus strand (A>C on the coding strand, the complement: SYNJ1 is on the minus strand). VCF-style: chr21-32666560-T-G. GRCh37 (hg19) VCF-style: chr21-34038870-T-G.
Other names: c.1825A>C, p.Lys609Gln (NM_001160302.2); c.1810A>C, p.Lys604Gln (NM_001160306.2); c.1942A>C, p.Lys648Gln (NM_003895.4); short protein forms K604Q, K648Q, K609Q.
Identifiers: ClinVar variation 1038345 (VCV001038345.10), dbSNP rs760221186, ClinGen allele CA10003789.
Genomic context (GRCh38, chr21:32,666,560, plus strand): 5'-CCAGCAGCACATACTTGTTGTCTCTGGAGATTGTCTTCTGAAGTTCTACAGCCCAGAGCT[T>G]CTGATTTGTTGTGCTACAAGAAAATATTAAAAAGAGAATTTTTTAAAAAGGTATTGACAA-3'
Protein context (NP_982271.3, residues 599-619): NIVSASTTNQ[Lys609Gln]LWAVELQKTI

ClinVar aggregate classification (germline): Uncertain significance. Review status: criteria provided, multiple submitters, no conflicts (2 of 4 stars). 2 submissions from 2 submitters: Uncertain significance (2). Last evaluated 2024-12-03.

Conditions:
Developmental and epileptic encephalopathy, 53. Also called: Epileptic encephalopathy, early infantile, 53. Identifiers: MedGen C4479313, MONDO:0033362, OMIM 617389.
Early-onset Parkinson disease 20. Also called: PARKINSON DISEASE 20, AUTOSOMAL RECESSIVE EARLY-ONSET. Identifiers: Orphanet 391411, MedGen C3809824, MONDO:0014233, OMIM 615530.
Inborn genetic diseases. Identifiers: MedGen C0950123, MeSH D030342.

Allele frequency attached by ClinVar (database versions not stated): gnomAD exomes below 0.00001 and 0.00001; ExAC 0.00001.
gnomAD v4.1: 2 of 1,610,790 alleles (0.00012%); highest among the groups gnomAD compares: Admixed American, 0.0034%; no homozygotes.

Submissions (2):

Ambry Genetics
Classification: Uncertain significance for Inborn genetic diseases. Last evaluated: 2024-12-03. Review status: criteria provided, single submitter. Criteria: Ambry Variant Classification Scheme 2023. Collection method: clinical testing. Allele origin: germline.

Labcorp Genetics (formerly Invitae), Labcorp
Classification: Uncertain significance for Developmental and epileptic encephalopathy, 53; Early-onset Parkinson disease 20. Last evaluated: 2020-10-15. Review status: criteria provided, single submitter. Criteria: Invitae Variant Classification Sherloc (09022015). Collection method: clinical testing. Allele origin: germline.
Comment: This sequence change replaces lysine with glutamine at codon 648 of the SYNJ1 protein (p.Lys648Gln). The lysine residue is moderately conserved and there is a small physicochemical difference between lysine and glutamine. This variant is present in population databases (rs760221186, ExAC 0.009%). This variant has not been reported in the literature in individuals with SYNJ1-related conditions. Algorithms developed to predict the effect of missense changes on protein structure and function are either unavailable or do not agree on the potential impact of this missense change (SIFT: "Tolerated"; PolyPhen-2: "Probably Damaging"; Align-GVGD: "Class C0"). In summary, the available evidence is currently insufficient to determine the role of this variant in disease. Therefore, it has been classified as a Variant of Uncertain Significance.